The following is an entry in ClinVar:

NM_018489.3(ASH1L):c.6424C>G (p.Leu2142Val)

Gene: ASH1L (ASH1 like histone lysine methyltransferase; minus strand). Cytogenetic location: 1q22.
Variant type: single nucleotide variant.
Coding change: c.6424C>G on transcript NM_018489.3 (MANE Select); coding-DNA position 6424, C replaced by G.
Protein change: p.Leu2142Val; replaces leucine 2142 with valine.
Molecular consequence: missense variant.
Genome position (GRCh38, 1-based): chr1:155,370,892, G>C on the plus strand (C>G on the coding strand, the complement: ASH1L is on the minus strand). VCF-style: chr1-155370892-G-C. GRCh37 (hg19) VCF-style: chr1-155340683-G-C.
Other names: c.6439C>G, p.Leu2147Val (NM_001366177.2); short protein forms L2142V, L2147V.
Identifiers: ClinVar variation 3373538 (VCV003373538.1).
Genomic context (GRCh38, chr1:155,370,892, plus strand): 5'-CTTTTAGGGGCTCTTTGGTTCTGATTCCCCAACCTTTTTCCTCAGCTCGAAATCGTTCTA[G>C]ACATTGCACCCATTCATGCCTCTGTATCCTCTGGTTACAGCATTGCTCGCCACATGGGCA-3'
Protein context (NP_060959.2, residues 2132-2152): RIQRHEWVQC[Leu2142Val]ERFRAEEKGW

ClinVar aggregate classification (germline): Uncertain significance (1 of 4 stars; one submission).

Submission:

GeneDx
Classification: Uncertain significance. Last evaluated: 2024-02-29. Review status: criteria provided, single submitter. Criteria: GeneDx Variant Classification Process June 2021. Collection method: clinical testing. Allele origin: germline. Affected: yes.
Comment: Not observed at significant frequency in large population cohorts (gnomAD); In silico analysis supports that this missense variant does not alter protein structure/function; Has not been previously published as pathogenic or benign to our knowledge